The following is an entry in ClinVar:

NM_139057.4(ADAMTS17):c.3128-12C>T

Gene: ADAMTS17 (ADAM metallopeptidase with thrombospondin type 1 motif 17; minus strand). Cytogenetic location: 15q26.3.
Variant type: single nucleotide variant.
Coding change: c.3128-12C>T on transcript NM_139057.4 (MANE Select); 12 bases into the intron before coding-DNA position 3128, C replaced by T.
Molecular consequence: intron variant.
Genome position (GRCh38, 1-based): chr15:99,974,574, G>A on the plus strand (C>T on the coding strand, the complement: ADAMTS17 is on the minus strand). VCF-style: chr15-99974574-G-A. GRCh37 (hg19) VCF-style: chr15-100514779-G-A.
Identifiers: ClinVar variation 315253 (VCV000315253.13), dbSNP rs182634994, ClinGen allele CA7757456.
Genomic context (GRCh38, chr15:99,974,574, plus strand): 5'-CGGCAATATACCGTCCACTGGTCTCGTGTGCATTTGTAGGTCAGAGCAGCTAAGGGGATA[G>A]GAGAGAGAATACCCAGGGTCAGGGATGGCCTAGGCATGTCCTGATGCAGGCACAGGGAGG-3'

ClinVar aggregate classification (germline): Benign/Likely benign. Review status: criteria provided, multiple submitters, no conflicts (2 of 4 stars). 3 submissions from 3 submitters: Benign (1); Likely benign (2). Last evaluated 2026-02-03.

Conditions:
Weill-Marchesani 4 syndrome, recessive. Also called: Weill-Marchesani syndrome 4. Identifiers: Orphanet 363992, MedGen C2750787, MONDO:0013176, OMIM 613195.

Allele frequency attached by ClinVar (database versions not stated): 1000 Genomes Project 0.00100; 1000 Genomes Project 30x 0.00141; gnomAD 0.00216 and 0.00220; TOPMed 0.00236; gnomAD exomes 0.00251 and 0.00344; ESP Exome Variant Server 0.00261; ExAC 0.00262.
gnomAD v4.1: 5,297 of 1,614,138 alleles (0.33%); highest among the groups gnomAD compares: Non-Finnish European, 0.4%; 9 homozygotes.

Submissions (3):

Labcorp Genetics (formerly Invitae), Labcorp
Classification: Benign. Last evaluated: 2026-02-03. Review status: criteria provided, single submitter. Criteria: Invitae Variant Classification Sherloc (09022015). Collection method: clinical testing. Allele origin: germline.

Blueprint Genetics
Classification: Likely benign. Last evaluated: 2024-11-26. Review status: criteria provided, single submitter. Criteria: ACMG Guidelines, 2015. Collection method: clinical testing. Allele origin: germline.

Illumina Laboratory Services, Illumina
Classification: Likely benign for Weill-Marchesani 4 syndrome, recessive. Last evaluated: 2018-01-13. Review status: criteria provided, single submitter. Criteria: ICSL Variant Classification Criteria 13 December 2019. Collection method: clinical testing. Allele origin: germline.
Comment: This variant was observed in the ICSL laboratory as part of a predisposition screen in an ostensibly healthy population. It had not been previously curated by ICSL or reported in the Human Gene Mutation Database (HGMD: prior to June 1st, 2018), and was therefore a candidate for classification through an automated scoring system. Utilizing variant allele frequency, disease prevalence and penetrance estimates, and inheritance mode, an automated score was calculated to assess if this variant is too frequent to cause the disease. Based on the score and internal cut-off values, a variant classified as likely benign is not then subjected to further curation. The score for this variant resulted in a classification of likely benign for this disease.